The following is an entry in ClinVar:

ClinVar aggregate classification (germline): Uncertain significance (1 of 4 stars; one submission).

Submission:

Labcorp Genetics (formerly Invitae), Labcorp
Classification: Uncertain significance. Last evaluated: 2025-04-28. Review status: criteria provided, single submitter. Criteria: Invitae Variant Classification Sherloc (09022015). Collection method: clinical testing. Allele origin: germline.
Comment: This sequence change replaces lysine, which is basic and polar, with asparagine, which is neutral and polar, at codon 492 of the NSD1 protein (p.Lys492Asn). This variant is not present in population databases (gnomAD no frequency). This variant has not been reported in the literature in individuals affected with NSD1-related conditions. ClinVar contains an entry for this variant (Variation ID: 3669797). Invitae Evidence Modeling of protein sequence and biophysical properties (such as structural, functional, and spatial information, amino acid conservation, physicochemical variation, residue mobility, and thermodynamic stability) indicates that this missense variant is not expected to disrupt NSD1 protein function with a negative predictive value of 95%. In summary, the available evidence is currently insufficient to determine the role of this variant in disease. Therefore, it has been classified as a Variant of Uncertain Significance.

NM_022455.5(NSD1):c.1476G>C (p.Lys492Asn)

Gene: NSD1 (nuclear receptor binding SET domain protein 1; plus strand). Cytogenetic location: 5q35.3.
Variant type: single nucleotide variant.
Coding change: c.1476G>C on transcript NM_022455.5 (MANE Select); coding-DNA position 1476, G replaced by C.
Protein change: p.Lys492Asn; replaces lysine 492 with asparagine.
Molecular consequence: missense variant.
Genome position (GRCh38, 1-based): chr5:177,209,875, G>C. VCF-style: chr5-177209875-G-C. GRCh37 (hg19) VCF-style: chr5-176636876-G-C.
Other names: c.603G>C, p.Lys201Asn (NM_001365684.2, NM_001409306.1, NM_001409307.1 and 3 more transcripts); c.1476G>C, p.Lys492Asn (NM_001409301.1, NM_001409302.1, NM_001409303.1); c.1056G>C, p.Lys352Asn (NM_001409304.1); c.723G>C, p.Lys241Asn (NM_001409305.1); short protein forms K352N, K201N, K241N, K492N.
Identifiers: ClinVar variation 3669797 (VCV003669797.2).
Genomic context (GRCh38, chr5:177,209,875, plus strand): 5'-TAATGGCTGTTTGAAATCACTGGCTTTTGATTCTGAACATTCTGCAGATGAGAAGGAAAA[G>C]CCTTGCGCTAAATCTCGAGCCAGAAAGAGCTCTGATAATCCAAAAAGGACTAGTGTGAAA-3'
Protein context (NP_071900.2, residues 482-502): DSEHSADEKE[Lys492Asn]PCAKSRARKS